The following is an entry in ClinVar:

ClinVar aggregate classification (germline): Uncertain significance (1 of 4 stars; one submission).

Submission:

Labcorp Genetics (formerly Invitae), Labcorp
Classification: Uncertain significance. Last evaluated: 2022-09-07. Review status: criteria provided, single submitter. Criteria: Invitae Variant Classification Sherloc (09022015). Collection method: clinical testing. Allele origin: germline.
Comment: In summary, the available evidence is currently insufficient to determine the role of this variant in disease. Therefore, it has been classified as a Variant of Uncertain Significance. Algorithms developed to predict the effect of sequence changes on RNA splicing suggest that this variant may disrupt the consensus splice site. Algorithms developed to predict the effect of missense changes on protein structure and function are either unavailable or do not agree on the potential impact of this missense change (SIFT: "Deleterious"; PolyPhen-2: "Benign"; Align-GVGD: "Class C0"). This variant has not been reported in the literature in individuals affected with GNB3-related conditions. This variant is not present in population databases (gnomAD no frequency). This sequence change replaces lysine, which is basic and polar, with threonine, which is neutral and polar, at codon 134 of the GNB3 protein (p.Lys134Thr).

NM_002075.4(GNB3):c.401A>C (p.Lys134Thr)

Gene: GNB3 (G protein subunit beta 3; plus strand). Cytogenetic location: 12p13.31.
Variant type: single nucleotide variant.
Coding change: c.401A>C on transcript NM_002075.4 (MANE Select); coding-DNA position 401, A replaced by C.
Protein change: p.Lys134Thr; replaces lysine 134 with threonine.
Molecular consequence: missense variant.
Genome position (GRCh38, 1-based): chr12:6,843,496, A>C. VCF-style: chr12-6843496-A-C. GRCh37 (hg19) VCF-style: chr12-6952660-A-C.
Other names: c.401A>C, p.Lys134Thr (NM_001297571.2); short protein forms K134T.
Identifiers: ClinVar variation 1929256 (VCV001929256.5), dbSNP rs61747607, ClinGen allele CA383672631.